The following is an entry in ClinVar:

NM_032805.3(ZSCAN10):c.768G>A (p.Ala256=)

Gene: ZSCAN10 (zinc finger and SCAN domain containing 10; minus strand). Cytogenetic location: 16p13.3.
Variant type: single nucleotide variant.
Coding change: c.768G>A on transcript NM_032805.3 (MANE Select); coding-DNA position 768, G replaced by A.
Protein change: p.Ala256=; no amino-acid change (alanine 256 retained).
Molecular consequence: synonymous variant. On other transcripts: 5 prime UTR variant (2).
Genome position (GRCh38, 1-based): chr16:3,091,559, C>T on the plus strand (G>A on the coding strand, the complement: ZSCAN10 is on the minus strand). VCF-style: chr16-3091559-C-T. GRCh37 (hg19) VCF-style: chr16-3141560-C-T.
Other names: c.-415G>A (NM_001282415.2, NM_001365273.1); c.357G>A, p.Ala119= (NM_001282416.2); c.222G>A, p.Ala74= (NM_001365272.1).
Identifiers: ClinVar variation 771012 (VCV000771012.28), dbSNP rs72772561, ClinGen allele CA7857622.

ClinVar aggregate classification (germline): Benign/Likely benign. Review status: criteria provided, multiple submitters, no conflicts (2 of 4 stars). 3 submissions from 3 submitters: Benign (2); Likely benign (1). Last evaluated 2026-09-01.

Allele frequency attached by ClinVar (database versions not stated): 1000 Genomes Project 0.00120; 1000 Genomes Project 30x 0.00141; ExAC 0.00256; gnomAD exomes 0.00258; gnomAD 0.00264 and 0.00277; ESP Exome Variant Server 0.00292; TOPMed 0.00318.
gnomAD v4.1: 5,736 of 1,614,162 alleles (0.36%); highest among the groups gnomAD compares: Admixed American, 0.47%; 17 homozygotes.

Submissions (3):

CeGaT Center for Human Genetics Tuebingen
Classification: Likely benign. Last evaluated: 2026-09-01. Review status: criteria provided, single submitter. Criteria: CeGaT Center For Human Genetics Tuebingen Variant Classification Criteria Version 2. Collection method: clinical testing. Allele origin: germline. Affected: yes. Observed: 6 variant alleles.
Comment: ZSCAN10: BP4, BP7, BS2

Labcorp Genetics (formerly Invitae), Labcorp
Classification: Benign. Last evaluated: 2017-05-24. Review status: criteria provided, single submitter. Criteria: Invitae Variant Classification Sherloc (09022015). Collection method: clinical testing. Allele origin: germline.

Breakthrough Genomics
Classification: Benign. Review status: criteria provided, single submitter. Criteria: ACMG Guidelines, 2015. Collection method: not provided. Allele origin: germline. Inheritance: Unknown mechanism. Affected: yes.